The following is an entry in ClinVar:

ClinVar aggregate classification (germline): Uncertain significance. Review status: criteria provided, multiple submitters, no conflicts (2 of 4 stars). 3 submissions from 3 submitters: Uncertain significance (3). Last evaluated 2025-05-31.

Conditions:
Hereditary cancer-predisposing syndrome. Also called: Hereditary neoplastic syndrome; Hereditary Cancer Syndrome; Neoplastic Syndromes, Hereditary; Tumor predisposition. Identifiers: Orphanet 140162, MedGen C0027672, MeSH D009386, MONDO:0015356.
Ataxia-telangiectasia syndrome (AT). Also called: Ataxia-telangiectasia, complementation group D; Cerebello-oculocutaneous telangiectasia; Immunodeficiency with ataxia telangiectasia; ATAXIA-TELANGIECTASIA, COMPLEMENTATION GROUP A; ATAXIA-TELANGIECTASIA, FRESNO VARIANT; LOUIS-BAR SYNDROME. Identifiers: Orphanet 100, MedGen C0004135, MONDO:0008840, OMIM 208900.

Submissions (3):

Ambry Genetics
Classification: Uncertain significance for Hereditary cancer-predisposing syndrome. Last evaluated: 2025-05-31. Review status: criteria provided, single submitter. Criteria: Ambry Variant Classification Scheme 2023. Collection method: clinical testing. Allele origin: germline.
Comment: The p.A193G variant (also known as c.578C>G), located in coding exon 5 of the ATM gene, results from a C to G substitution at nucleotide position 578. The alanine at codon 193 is replaced by glycine, an amino acid with similar properties. This amino acid position is not well conserved in available vertebrate species. In addition, this alteration is predicted to be tolerated by in silico analysis. Since supporting evidence is limited at this time, the clinical significance of this alteration remains unclear.

Labcorp Genetics (formerly Invitae), Labcorp
Classification: Uncertain significance for Ataxia-telangiectasia syndrome. Last evaluated: 2021-04-14. Review status: criteria provided, single submitter. Criteria: Invitae Variant Classification Sherloc (09022015). Collection method: clinical testing. Allele origin: germline.
Comment: In summary, the available evidence is currently insufficient to determine the role of this variant in disease. Therefore, it has been classified as a Variant of Uncertain Significance. Advanced modeling of protein sequence and biophysical properties (such as structural, functional, and spatial information, amino acid conservation, physicochemical variation, residue mobility, and thermodynamic stability) performed at Invitae indicates that this missense variant is not expected to disrupt ATM protein function. This variant has not been reported in the literature in individuals with ATM-related conditions. ClinVar contains an entry for this variant (Variation ID: 419516). This variant is not present in population databases (ExAC no frequency). This sequence change replaces alanine with glycine at codon 193 of the ATM protein (p.Ala193Gly). The alanine residue is weakly conserved and there is a small physicochemical difference between alanine and glycine.

GeneDx
Classification: Uncertain significance. Last evaluated: 2015-07-22. Review status: criteria provided, single submitter. Criteria: GeneDx Variant Classification (06012015). Collection method: clinical testing. Allele origin: germline. Affected: yes.
Comment: This variant is denoted ATM c.578C>G at the cDNA level, p.Ala193Gly (A193G) at the protein level, and results in the change of an Alanine to a Glycine (GCT>GGT). This variant has not, to our knowledge, been published in the literature as pathogenic or benign. ATM Ala193Gly was not observed in approximately 6,500 individuals of European and African American ancestry in the NHLBI Exome Sequencing Project, indicating it is not a common benign variant in these populations. Since Alanine and Glycine share similar properties, this is considered a conservative amino acid substitution. ATM Ala193Gly occurs at a position that is not conserved and is not located in a known functional domain (Stracker 2013, Tavtigian 2009). In silico analyses are inconsistent regarding the effect this variant may have on protein structure and function. Based on currently available information, it is unclear whether ATM Ala193Gly is pathogenic or benign. We consider it to be a variant of uncertain significance.

NM_000051.4(ATM):c.578C>G (p.Ala193Gly)

Gene: ATM (ATM serine/threonine kinase; plus strand). Cytogenetic location: 11q22.3.
Variant type: single nucleotide variant.
Coding change: c.578C>G on transcript NM_000051.4 (MANE Select); coding-DNA position 578, C replaced by G.
Protein change: p.Ala193Gly; replaces alanine 193 with glycine.
Molecular consequence: missense variant.
Genome position (GRCh38, 1-based): chr11:108,244,034, C>G. VCF-style: chr11-108244034-C-G. GRCh37 (hg19) VCF-style: chr11-108114761-C-G.
Other names: c.578C>G, p.Ala193Gly (NM_001351834.2); short protein forms A193G.
Identifiers: ClinVar variation 419516 (VCV000419516.13), dbSNP rs1064793928, ClinGen allele CA16619098.